The following is an entry in ClinVar:

NM_032447.5(FBN3):c.4085-20C>T

Gene: FBN3 (fibrillin 3; minus strand). Cytogenetic location: 19p13.2.
Variant type: single nucleotide variant.
Coding change: c.4085-20C>T on transcript NM_032447.5 (MANE Select); 20 bases into the intron before coding-DNA position 4085, C replaced by T.
Molecular consequence: intron variant.
Genome position (GRCh38, 1-based): chr19:8,111,203, G>A on the plus strand (C>T on the coding strand, the complement: FBN3 is on the minus strand). VCF-style: chr19-8111203-G-A. GRCh37 (hg19) VCF-style: chr19-8176087-G-A.
Other names: c.4085-20C>T (NM_001321431.2).
Identifiers: ClinVar variation 2095033 (VCV002095033.4), dbSNP rs1175759699, ClinGen allele CA631703581.

ClinVar aggregate classification (germline): Uncertain significance (1 of 4 stars; one submission).

Allele frequency attached by ClinVar (database versions not stated): gnomAD 0.00001; gnomAD exomes 0.00001; TOPMed 0.00001.
gnomAD v4.1: 14 of 1,571,668 alleles (0.00089%); highest among the groups gnomAD compares: East Asian, 0.0067%; no homozygotes.

Submission:

Labcorp Genetics (formerly Invitae), Labcorp
Classification: Uncertain significance. Last evaluated: 2022-06-09. Review status: criteria provided, single submitter. Criteria: Invitae Variant Classification Sherloc (09022015). Collection method: clinical testing. Allele origin: germline.
Comment: Algorithms developed to predict the effect of sequence changes on RNA splicing suggest that this variant may create or strengthen a splice site. This variant has not been reported in the literature in individuals affected with FBN3-related conditions. This variant is present in population databases (no rsID available, gnomAD 0.004%). This sequence change falls in intron 32 of the FBN3 gene. It does not directly change the encoded amino acid sequence of the FBN3 protein. In summary, the available evidence is currently insufficient to determine the role of this variant in disease. Therefore, it has been classified as a Variant of Uncertain Significance.